The following is an entry in ClinVar:

NM_001018113.3(FANCB):c.1310C>T (p.Thr437Met)

Gene: FANCB (FA complementation group B; minus strand). Cytogenetic location: Xp22.2.
Variant type: single nucleotide variant.
Coding change: c.1310C>T on transcript NM_001018113.3 (MANE Select); coding-DNA position 1310, C replaced by T.
Protein change: p.Thr437Met; replaces threonine 437 with methionine.
Molecular consequence: missense variant.
Genome position (GRCh38, 1-based): chrX:14,853,055, G>A on the plus strand (C>T on the coding strand, the complement: FANCB is on the minus strand). VCF-style: chrX-14853055-G-A. GRCh37 (hg19) VCF-style: chrX-14871177-G-A.
Other names: c.1310C>T, p.Thr437Met (NM_001324162.2, NM_152633.4); short protein forms T437M.
Identifiers: ClinVar variation 368025 (VCV000368025.13), dbSNP rs772802668, ClinGen allele CA10353077.

ClinVar aggregate classification (germline): Benign/Likely benign. Review status: criteria provided, multiple submitters, no conflicts (2 of 4 stars). 4 submissions from 3 submitters: Benign (3); Likely benign (1). Last evaluated 2025-06-06.

Conditions:
Fanconi anemia (FA). Also called: Fanconi's anemia. Identifiers: Orphanet 84, MedGen C0015625, MeSH D005199, MONDO:0019391.
Fanconi anemia complementation group B (FANCB). Also called: FANCB-Related Fanconi Anemia; FANCONI PANCYTOPENIA, TYPE 2. Identifiers: Orphanet 84, MedGen C1845292, MONDO:0010351, OMIM 300514.
Inborn genetic diseases. Identifiers: MedGen C0950123, MeSH D030342.
VACTERL association, X-linked, with or without hydrocephalus (VACTERLX). Also called: VACTERL-H, X-LINKED; VACTERL Association with Hydrocephalus, X-linked; X-linked VACTERL-H syndrome; VACTERL ASSOCIATION, X-LINKED. Identifiers: Orphanet 3412, MedGen C2931228, MONDO:0010752, OMIM 314390.

Allele frequency attached by ClinVar (database versions not stated): gnomAD 0.00001 and 0.00002; gnomAD exomes 0.00002 and 0.00003; TOPMed 0.00004; ExAC 0.00005.
gnomAD v4.1: 21 of 1,198,336 alleles (0.0018%); highest among the groups gnomAD compares: Middle Eastern, 0.095%; no homozygotes.

Submissions (4):

Labcorp Genetics (formerly Invitae), Labcorp
Classification: Benign for Fanconi anemia. Last evaluated: 2025-06-06. Review status: criteria provided, single submitter. Criteria: Invitae Variant Classification Sherloc (09022015). Collection method: clinical testing. Allele origin: germline.

Ambry Genetics
Classification: Likely benign for Inborn genetic diseases. Last evaluated: 2024-10-29. Review status: criteria provided, single submitter. Criteria: Ambry Variant Classification Scheme 2023. Collection method: clinical testing. Allele origin: germline.

Illumina Laboratory Services, Illumina
Classification: Benign for VACTERL association with hydrocephaly, X-linked. Last evaluated: 2018-01-13. Review status: criteria provided, single submitter. Criteria: ICSL Variant Classification Criteria 13 December 2019. Collection method: clinical testing. Allele origin: germline.
Comment: This variant was observed in the ICSL laboratory as part of a predisposition screen in an ostensibly healthy population. It had not been previously curated by ICSL or reported in the Human Gene Mutation Database (HGMD: prior to June 1st, 2018), and was therefore a candidate for classification through an automated scoring system. Utilizing variant allele frequency, disease prevalence and penetrance estimates, and inheritance mode, an automated score was calculated to assess if this variant is too frequent to cause the disease. Based on the score and internal cut-off values, a variant classified as benign is not then subjected to further curation. The score for this variant resulted in a classification of benign for this disease.

Illumina Laboratory Services, Illumina
Classification: Benign for Fanconi anemia complementation group B. Last evaluated: 2018-01-13. Review status: criteria provided, single submitter. Criteria: ICSL Variant Classification Criteria 13 December 2019. Collection method: clinical testing. Allele origin: germline.
Comment: the same text as in the submission from Illumina Laboratory Services, Illumina above.